The following is an entry in ClinVar:

ClinVar aggregate classification (germline): Pathogenic (1 of 4 stars; one submission).

Conditions:
Hereditary cancer-predisposing syndrome. Also called: Neoplastic Syndromes, Hereditary; Tumor predisposition; Hereditary neoplastic syndrome; Hereditary Cancer Syndrome. Identifiers: Orphanet 140162, MedGen C0027672, MeSH D009386, MONDO:0015356.

Submission:

Ambry Genetics
Classification: Pathogenic for Hereditary cancer-predisposing syndrome. Last evaluated: 2022-06-13. Review status: criteria provided, single submitter. Criteria: Ambry Variant Classification Scheme 2023. Collection method: clinical testing. Allele origin: germline.
Comment: The c.6387_6395delATTTAAATTinsTTTA pathogenic mutation, located in coding exon 10 of the BRCA2 gene, results from the deletion of 9 nucleotides and insertion of 4 nucleotides at positions 6387 to 6395, causing a translational frameshift with a predicted alternate stop codon (p.E2129Dfs*5). This alteration is expected to result in loss of function by premature protein truncation or nonsense-mediated mRNA decay. As such, this alteration is interpreted as a disease-causing mutation.

NM_000059.4(BRCA2):c.6387_6395delinsTTTA (p.Glu2129fs)

Gene: BRCA2 (BRCA2 DNA repair associated; plus strand). Cytogenetic location: 13q13.1.
Variant type: Indel.
Coding change: c.6387_6395delinsTTTA on transcript NM_000059.4 (MANE Select); coding-DNA positions 6387 to 6395, ATTTAAATT replaced by TTTA.
Protein change: p.Glu2129fs; shifts the reading frame from glutamic acid 2129.
Molecular consequence: frameshift variant.
Genome position (GRCh38, 1-based): chr13:32,340,742-32,340,750, ATTTAAATT replaced by TTTA. VCF-style: chr13-32340742-ATTTAAATT-TTTA. GRCh37 (hg19) VCF-style: chr13-32914879-ATTTAAATT-TTTA.
Other names: short protein forms E2129fs.
Identifiers: ClinVar variation 826373 (VCV000826373.4), dbSNP rs1593908459, ClinGen allele CA915948507.
Genomic context (GRCh38, chr13:32,340,742, plus strand): 5'-TGATAAGAGAAACCCAGAGCACTGTGTAAACTCAGAAATGGAAAAAACCTGCAGTAAAGA[ATTTAAATT>TTTA]ATCAAATAACTTAAATGTTGAAGGTGGTTCTTCAGAAAATAATCACTCTATTAAAGTTTC-3'